The following is an entry in ClinVar:

NM_001323289.2(CDKL5):c.638G>A (p.Gly213Glu)

Gene: CDKL5 (cyclin dependent kinase like 5; plus strand). Cytogenetic location: Xp22.13.
Variant type: single nucleotide variant.
Coding change: c.638G>A on transcript NM_001323289.2 (MANE Select); coding-DNA position 638, G replaced by A.
Protein change: p.Gly213Glu; replaces glycine 213 with glutamic acid.
Molecular consequence: missense variant.
Genome position (GRCh38, 1-based): chrX:18,588,037, G>A. VCF-style: chrX-18588037-G-A. GRCh37 (hg19) VCF-style: chrX-18606157-G-A.
Other names: NM_001323289.2(CDKL5):c.638G>A; p.Gly213Glu; c.638G>A, p.Gly213Glu (NM_001037343.2, NM_003159.3); short protein forms G213E.
Identifiers: ClinVar variation 577127 (VCV000577127.11), dbSNP rs1569215629, ClinGen allele CA412353374.

ClinVar aggregate classification (germline): Pathogenic/Likely pathogenic. Review status: criteria provided, multiple submitters, no conflicts (2 of 4 stars). 2 submissions from 2 submitters: Pathogenic (1); Likely pathogenic (1). Last evaluated 2024-07-23.

Conditions:
Angelman syndrome-like. Identifiers: MedGen CN128785.
Developmental and epileptic encephalopathy, 2 (DEE2). Also called: INFANTILE SPASM SYNDROME, X-LINKED 2; CDKL5 deficiency disorder. Identifiers: Orphanet 1934, Orphanet 3451, Orphanet 505652, MedGen C4750718, MONDO:0010396, OMIM 300672.
CDKL5 disorder. Identifiers: MedGen CN296942, MONDO:0100039.

Submissions (3):

Centre for Population Genomics, CPG
Classification: Likely pathogenic for CDKL5 disorder. Last evaluated: 2024-07-23. Review status: criteria provided, single submitter. Criteria: McKnight et al. (Hum Mutat. 2022). Collection method: curation. Allele origin: germline. Inheritance: X-linked inheritance.
Comment: This variant has been collected from RettBASE and curated to current modified ACMG/AMP criteria. Based on the classification scheme defined by the ClinGen Rett/Angelman-like Expert Panel for Rett/AS-like Disorders Specifications to the ACMG/AMP Variant Interpretation Guidelines VCEP 3.0, this variant is classified as likely pathogenic. At least the following criteria are met: This variant has been identified as a de novo occurrence in an individual with CDKL5 disorder with confirmed parental relationships (PS2) PMID: 23934111 This variant is absent from gnomAD v4 (PM2_Supporting). Another missense variant in the same codon has been classified as pathogenic (PM5) PMID: 31313283 Has been observed in at least 2 individuals with phenotypes consistent with CDKL5 disorder (PS4_Supporting). PMID:27187038 PMID:23934111

Labcorp Genetics (formerly Invitae), Labcorp
Classification: Pathogenic for Developmental and epileptic encephalopathy, 2; Angelman syndrome-like. Last evaluated: 2020-05-11. Review status: criteria provided, single submitter. Criteria: Invitae Variant Classification Sherloc (09022015). Collection method: clinical testing. Allele origin: germline.
Comment: For these reasons, this variant has been classified as Pathogenic. A different missense substitution at this codon (p.Gly213Arg) has been reported in an individual affected with atypical Rett syndrome and early-onset epileptic encephalopathy (PMID: 27187038). Algorithms developed to predict the effect of missense changes on protein structure and function (SIFT, PolyPhen-2, Align-GVGD) all suggest that this variant is likely to be disruptive, but these predictions have not been confirmed by published functional studies and their clinical significance is uncertain. This variant has been reported to be de novo in an individual affected with infantile spasms (PMID: 23934111). ClinVar contains an entry for this variant (Variation ID: 577127). This variant is not present in population databases (ExAC no frequency). This sequence change replaces glycine with glutamic acid at codon 213 of the CDKL5 protein (p.Gly213Glu). The glycine residue is highly conserved and there is a moderate physicochemical difference between glycine and glutamic acid.

Dr. Peter K. Rogan Lab, Western University
No classification provided (evidence only). Condition: Thyroid cancer, nonmedullary, 1. Review status: no classification provided. Collection method: in vitro. Allele origin: not applicable. Functional consequence: retained intron. Not counted in ClinVar's aggregate classification.

Literature cited by the submitters: PubMed 27187038 (cited by Labcorp Genetics (formerly Invitae), Labcorp); PubMed 23934111 (cited by Labcorp Genetics (formerly Invitae), Labcorp).